The following is an entry in ClinVar:

NM_001184900.3(CARD8):c.1360G>A (p.Val454Met)

Gene: CARD8 (caspase recruitment domain family member 8; minus strand). Cytogenetic location: 19q13.33.
Variant type: single nucleotide variant.
Coding change: c.1360G>A on transcript NM_001184900.3 (MANE Select); coding-DNA position 1360, G replaced by A.
Protein change: p.Val454Met; replaces valine 454 with methionine.
Molecular consequence: missense variant. On other transcripts: 3 prime UTR variant (7), non-coding transcript variant (3), intron variant (1).
Genome position (GRCh38, 1-based): chr19:48,211,964, C>T on the plus strand (G>A on the coding strand, the complement: CARD8 is on the minus strand). VCF-style: chr19-48211964-C-T. GRCh37 (hg19) VCF-style: chr19-48715221-C-T.
Other names: c.1210G>A, p.Val404Met (NM_001184901.1, NM_001351783.2, NM_014959.5); c.*39G>A (NM_001184902.2, NM_001184903.1, NM_001351788.2 and 4 more transcripts); c.1360G>A, p.Val454Met (NM_001351782.2); c.1045G>A, p.Val349Met (NM_001351784.2); c.1024G>A, p.Val342Met (NM_001351786.2); c.1042G>A, p.Val348Met (NM_001365950.1); c.535G>A, p.Val179Met (NM_001426741.1); c.1033+3376G>A (NM_001351787.2); short protein forms V179M, V349M, V454M, V342M, V404M, V348M.
Identifiers: ClinVar variation 2995975 (VCV002995975.3), dbSNP rs987648875, ClinGen allele CA309327602.

ClinVar aggregate classification (germline): Uncertain significance (1 of 4 stars; one submission).

Allele frequency attached by ClinVar (database versions not stated): gnomAD 0.00001; TOPMed 0.00001.
gnomAD v4.1: 4 of 1,613,804 alleles (0.00025%); highest among the groups gnomAD compares: African/African-American, 0.0027%; no homozygotes.

Submission:

Labcorp Genetics (formerly Invitae), Labcorp
Classification: Uncertain significance. Last evaluated: 2023-07-05. Review status: criteria provided, single submitter. Criteria: Invitae Variant Classification Sherloc (09022015). Collection method: clinical testing. Allele origin: germline.
Comment: In summary, the available evidence is currently insufficient to determine the role of this variant in disease. Therefore, it has been classified as a Variant of Uncertain Significance. Algorithms developed to predict the effect of missense changes on protein structure and function output the following: SIFT: "Not Available"; PolyPhen-2: "Benign"; Align-GVGD: "Not Available". The methionine amino acid residue is found in multiple mammalian species, which suggests that this missense change does not adversely affect protein function. This variant has not been reported in the literature in individuals affected with CARD8-related conditions. This variant is present in population databases (no rsID available, gnomAD 0.003%). This sequence change replaces valine, which is neutral and non-polar, with methionine, which is neutral and non-polar, at codon 404 of the CARD8 protein (p.Val404Met).